The following is an entry in ClinVar:

NM_001366385.1(CARD14):c.2826G>C (p.Leu942Phe)

Genes: SGSH (N-sulfoglucosamine sulfohydrolase; minus strand), CARD14 (caspase recruitment domain family member 14; plus strand). Cytogenetic location: 17q25.3.
Variant type: single nucleotide variant.
Coding change: c.2826G>C on transcript NM_001366385.1 (MANE Select); coding-DNA position 2826, G replaced by C.
Protein change: p.Leu942Phe; replaces leucine 942 with phenylalanine.
Molecular consequence: missense variant. On other transcripts: non-coding transcript variant (1).
Genome position (GRCh38, 1-based): chr17:80,208,156, G>C. VCF-style: chr17-80208156-G-C. GRCh37 (hg19) VCF-style: chr17-78181955-G-C.
Other names: c.2826G>C, p.Leu942Phe (NM_024110.4); short protein forms L942F.
Identifiers: ClinVar variation 1351843 (VCV001351843.6), dbSNP rs2041450692, ClinGen allele CA401357158.

ClinVar aggregate classification (germline): Uncertain significance (1 of 4 stars; one submission).

Conditions:
Pityriasis rubra pilaris (PRP). Also called: Pityriasis rubra pilaris--familial type. Identifiers: Orphanet 2897, MedGen C0032027, MONDO:0100017, OMIM 173200, MONDO:0008251.
Psoriasis 2. Identifiers: MedGen C1864497, MONDO:0011269, OMIM 602723.

gnomAD v4.1: 1 of 1,544,376 alleles (0.000065%); highest among the groups gnomAD compares: Non-Finnish European, 0.000087%; no homozygotes.

Submission:

Labcorp Genetics (formerly Invitae), Labcorp
Classification: Uncertain significance for Pityriasis rubra pilaris; Psoriasis 2. Last evaluated: 2024-10-15. Review status: criteria provided, single submitter. Criteria: Invitae Variant Classification Sherloc (09022015). Collection method: clinical testing. Allele origin: germline.
Comment: This sequence change replaces leucine, which is neutral and non-polar, with phenylalanine, which is neutral and non-polar, at codon 942 of the CARD14 protein (p.Leu942Phe). This variant is not present in population databases (gnomAD no frequency). This variant has not been reported in the literature in individuals affected with CARD14-related conditions. ClinVar contains an entry for this variant (Variation ID: 1351843). An algorithm developed to predict the effect of missense changes on protein structure and function outputs the following: PolyPhen-2: "Benign". The phenylalanine amino acid residue is found in multiple mammalian species, which suggests that this missense change does not adversely affect protein function. In summary, the available evidence is currently insufficient to determine the role of this variant in disease. Therefore, it has been classified as a Variant of Uncertain Significance.